The following is an entry in ClinVar:

ClinVar aggregate classification (germline): Benign/Likely benign. Review status: criteria provided, multiple submitters, no conflicts (2 of 4 stars). 5 submissions from 4 submitters: Benign (2); Likely benign (3). Last evaluated 2018-05-30.

Conditions:
Dilated cardiomyopathy 1Y (CMD1Y). Identifiers: Orphanet 154, Orphanet 54260, MedGen C2678476, MONDO:0012744, OMIM 611878.
Hypertrophic cardiomyopathy 3. Also called: TPM1-Related Familial Hypertrophic Cardiomyopathy. Identifiers: MedGen C1861863, MONDO:0007267, OMIM 115196.

Allele frequency attached by ClinVar (database versions not stated): TOPMed 0.03195; gnomAD 0.03733 and 0.03824; 1000 Genomes Project 30x 0.03888; 1000 Genomes Project 0.03914.
gnomAD v4.1: 48,101 of 1,541,840 alleles (3.1%); highest among the groups gnomAD compares: South Asian, 8.3%; 1,102 homozygotes.

Submissions (8):

Blueprint Genetics
Classification: Likely benign. Last evaluated: 2018-05-30. Review status: criteria provided, single submitter. Criteria: ACMG Guidelines, 2015. Collection method: clinical testing. Allele origin: germline.

Illumina Laboratory Services, Illumina
Classification: Likely benign for Dilated cardiomyopathy 1Y. Last evaluated: 2018-01-13. Review status: criteria provided, single submitter. Criteria: ICSL Variant Classification Criteria 13 December 2019. Collection method: clinical testing. Allele origin: germline.
Comment: This variant was observed in the ICSL laboratory as part of a predisposition screen in an ostensibly healthy population. It had not been previously curated by ICSL or reported in the Human Gene Mutation Database (HGMD: prior to June 1st, 2018), and was therefore a candidate for classification through an automated scoring system. Utilizing variant allele frequency, disease prevalence and penetrance estimates, and inheritance mode, an automated score was calculated to assess if this variant is too frequent to cause the disease. Based on the score and internal cut-off values, a variant classified as likely benign is not then subjected to further curation. The score for this variant resulted in a classification of likely benign for this disease.

Illumina Laboratory Services, Illumina
Classification: Benign for Hypertrophic cardiomyopathy 3. Last evaluated: 2018-01-13. Review status: criteria provided, single submitter. Criteria: ICSL Variant Classification Criteria 13 December 2019. Collection method: clinical testing. Allele origin: germline.
Comment: This variant was observed in the ICSL laboratory as part of a predisposition screen in an ostensibly healthy population. It had not been previously curated by ICSL or reported in the Human Gene Mutation Database (HGMD: prior to June 1st, 2018), and was therefore a candidate for classification through an automated scoring system. Utilizing variant allele frequency, disease prevalence and penetrance estimates, and inheritance mode, an automated score was calculated to assess if this variant is too frequent to cause the disease. Based on the score and internal cut-off values, a variant classified as benign is not then subjected to further curation. The score for this variant resulted in a classification of benign for this disease.

GeneDx
Classification: Benign. Last evaluated: 2015-03-03. Review status: criteria provided, single submitter. Criteria: GeneDx Variant Classification Process June 2021. Collection method: clinical testing. Allele origin: germline. Affected: yes.

Breakthrough Genomics
Classification: Likely benign. Review status: criteria provided, single submitter. Criteria: ACMG Guidelines, 2015. Collection method: not provided. Allele origin: germline. Inheritance: Autosomal dominant inheritance. Affected: yes.

Dr. Peter K. Rogan Lab, Western University
No classification provided (evidence only). Condition: Lung cancer. Review status: no classification provided. Collection method: in vitro. Allele origin: not applicable. Functional consequence: retained intron. Not counted in ClinVar's aggregate classification.

Dr. Peter K. Rogan Lab, Western University
No classification provided (evidence only). Condition: Lung cancer. Review status: no classification provided. Collection method: in vitro. Allele origin: not applicable. Functional consequence: retained intron. Not counted in ClinVar's aggregate classification.

Dr. Peter K. Rogan Lab, Western University
No classification provided (evidence only). Condition: Sarcoma. Review status: no classification provided. Collection method: in vitro. Allele origin: not applicable. Functional consequence: retained intron. Not counted in ClinVar's aggregate classification.

NM_001018005.2(TPM1):c.*148G>T

Gene: TPM1 (tropomyosin 1; plus strand). Cytogenetic location: 15q22.2.
Variant type: single nucleotide variant.
Coding change: c.*148G>T on transcript NM_001018005.2 (MANE Select); 148 bases downstream of the stop codon, G replaced by T.
Molecular consequence: 3 prime UTR variant. On other transcripts: intron variant (10).
Genome position (GRCh38, 1-based): chr15:63,066,047, G>T. VCF-style: chr15-63066047-G-T. GRCh37 (hg19) VCF-style: chr15-63358246-G-T.
Other names: NC_000015.9:g.63358246G>T; c.*196G>T (NM_000366.6, NM_001365779.1); c.*148G>T (NM_001301244.2, NM_001330346.2); c.*60G>T (NM_001365777.1, NM_001365780.1); c.*1901G>T (NM_001365781.2, NM_001365782.1); c.898+3402G>T (NM_001365778.1); c.772+3402G>T (NM_001018020.2, NM_001018007.2, NM_001018006.2 and 2 more transcripts); c.664+3402G>T (NM_001330351.2, NM_001330344.2, NM_001018008.2 and 1 more transcripts).
Identifiers: ClinVar variation 316693 (VCV000316693.9), dbSNP rs7668, ClinGen allele CA10647202.